The following is an entry in ClinVar:

ClinVar aggregate classification (germline): Pathogenic (1 of 4 stars; one submission).

Submission:

ISCA site 4
Classification: Pathogenic. Last evaluated: 2011-08-12. Review status: criteria provided, single submitter. Criteria: Kaminsky et al. (Genet Med. 2011). Collection method: clinical testing. Allele origin: unknown. Affected: yes. Observed: 1 variant allele.
Comment: Copy number variation identified through the course of routine clinical cytogenomic testing in postnatal populations. Clinical assertions have been curated as described in Kaminsky et al. 2011.

GRCh38/hg38 9q22.33-33.1(chr9:99138048-115011033)x1

Genes: ABCA1 (ATP binding cassette subfamily A member 1; minus strand), ABITRAM (actin binding transcription modulator; plus strand), ACTL7A (actin like 7A; plus strand), ACTL7B (actin like 7B; minus strand), AKNA (AT-hook transcription factor; minus strand) and 512 more. Cytogenetic location: 9q22.33-33.1.
Variant type: copy number loss.
Change: copy number 1 (one copy instead of two) of chr9:99,138,048-115,011,033 (15.87 Mb, GRCh38 coordinates, 1-based), cytogenetic band 9q22.33-33.1.
Identifiers: ClinVar variation 161058 (VCV000161058.1).